The following is an entry in ClinVar:

ClinVar aggregate classification (germline): Pathogenic/Likely pathogenic. Review status: criteria provided, multiple submitters, no conflicts (2 of 4 stars). 3 submissions from 3 submitters: Pathogenic (1); Likely pathogenic (2). Last evaluated 2025-09-16.

Conditions:
Osteogenesis imperfecta (OI). Identifiers: Orphanet 666, MedGen C0029434, MeSH D010013, MONDO:0019019.
Ehlers-Danlos syndrome, classic type, 1 (EDSCL1). Also called: EDS I; Ehlers-Danlos syndrome, type 1; EHLERS-DANLOS SYNDROME, GRAVIS TYPE; EHLERS-DANLOS SYNDROME, SEVERE CLASSIC TYPE; Ehlers-Danlos Syndrome, Classic Type, COL5A1-Related. Identifiers: MedGen C0268335, MONDO:0019567, OMIM 130000.
Osteogenesis imperfecta type I (OI1). Also called: Osteogenesis imperfecta type 1; Lobstein's Disease; OI, TYPE I; OSTEOGENESIS IMPERFECTA TARDA; OSTEOGENESIS IMPERFECTA WITH BLUE SCLERAE; Lobstein disease. Identifiers: Orphanet 216796, Orphanet 666, MedGen C0023931, MONDO:0008146, OMIM 166200. Disease mechanism: loss of function.

Submissions (3):

Labcorp Genetics (formerly Invitae), Labcorp
Classification: Pathogenic for Osteogenesis imperfecta type I; Ehlers-Danlos syndrome, classic type, 1. Last evaluated: 2025-09-16. Review status: criteria provided, single submitter. Criteria: Invitae Variant Classification Sherloc (09022015). Collection method: clinical testing. Allele origin: germline.
Comment: This sequence change replaces glycine, which is neutral and non-polar, with alanine, which is neutral and non-polar, at codon 499 of the COL1A2 protein (p.Gly499Ala). This variant is not present in population databases (gnomAD no frequency). This missense change has been observed in individual(s) with clinical features of osteogenesis imperfecta (internal data). ClinVar contains an entry for this variant (Variation ID: 1701991). Invitae Evidence Modeling of protein sequence and biophysical properties (such as structural, functional, and spatial information, amino acid conservation, physicochemical variation, residue mobility, and thermodynamic stability) indicates that this missense variant is expected to disrupt COL1A2 protein function with a positive predictive value of 95%. This variant disrupts the triple helix domain of COL1A2. Glycine residues within the Gly-Xaa-Yaa repeats of the triple helix domain are required for the structure and stability of fibrillar collagens (PMID: 7695699, 8218237, 19344236). In COL1A2, variants affecting these glycine residues are significantly enriched in individuals with disease (PMID: 9016532, 17078022) compared to the general population (ExAC). This variant disrupts the p.Gly499 amino acid residue in COL1A2. Other variant(s) that disrupt this residue have been observed in individuals with COL1A2-related conditions (PMID: 17078022, 32360156), which suggests that this may be a clinically significant amino acid residue. For these reasons, this variant has been classified as Pathogenic.

Genome Diagnostics Laboratory, The Hospital for Sick Children
Classification: Likely pathogenic for Osteogenesis imperfecta. Last evaluated: 2021-11-12. Review status: criteria provided, single submitter. Criteria: ACMG Guidelines, 2015. Collection method: clinical testing. Allele origin: germline.

Cambridge Genomics Laboratory, East Genomic Laboratory Hub, NHS Genomic Medicine Service
Classification: Likely pathogenic for Osteogenesis imperfecta. Last evaluated: 2019-10-29. Review status: criteria provided, single submitter. Criteria: ACGS Best Practice Guidelines for Variant Classification in Rare Disease 2020. Collection method: clinical testing. Allele origin: germline. Affected: yes. Observed: 1 variant allele.

Literature cited by the submitters: PubMed 7695699 (cited by Labcorp Genetics (formerly Invitae), Labcorp); PubMed 8218237 (cited by Labcorp Genetics (formerly Invitae), Labcorp); PubMed 19344236 (cited by Labcorp Genetics (formerly Invitae), Labcorp); PubMed 9016532 (cited by Labcorp Genetics (formerly Invitae), Labcorp); PubMed 17078022 (cited by Labcorp Genetics (formerly Invitae), Labcorp); PubMed 32360156 (cited by Labcorp Genetics (formerly Invitae), Labcorp).

NM_000089.4(COL1A2):c.1496G>C (p.Gly499Ala)

Gene: COL1A2 (collagen type I alpha 2 chain; plus strand). Cytogenetic location: 7q21.3.
Variant type: single nucleotide variant.
Coding change: c.1496G>C on transcript NM_000089.4 (MANE Select); coding-DNA position 1496, G replaced by C.
Protein change: p.Gly499Ala; replaces glycine 499 with alanine.
Molecular consequence: missense variant.
Genome position (GRCh38, 1-based): chr7:94,412,675, G>C. VCF-style: chr7-94412675-G-C. GRCh37 (hg19) VCF-style: chr7-94041987-G-C.
Other names: short protein forms G499A.
Identifiers: ClinVar variation 1701991 (VCV001701991.5), dbSNP rs72658122, ClinGen allele CA368221964.
Genomic context (GRCh38, chr7:94,412,675, plus strand): 5'-CAATTGGCCCAGCTGGAGCAAGAGGAGAGCCTGGCAACATTGGATTCCCTGGACCCAAAG[G>C]CCCCACTGTAAGAATCACCACAACTTTCTTACCCTCAGCACTTTCTGTAGCCAAATTTTA-3'
Protein context (NP_000080.2, residues 489-509): PGNIGFPGPK[Gly499Ala]PTGDPGKNGD